The following is an entry in ClinVar:

ClinVar aggregate classification (germline): Uncertain significance (1 of 4 stars; one submission).

Allele frequency attached by ClinVar (database versions not stated): TOPMed 0.00001; ExAC 0.00004; gnomAD exomes 0.00004.

Submission:

GeneDx
Classification: Uncertain significance. Last evaluated: 2020-12-28. Review status: criteria provided, single submitter. Criteria: GeneDx Variant Classification Process June 2021. Collection method: clinical testing. Allele origin: germline. Affected: yes.
Comment: In silico analysis supports that this missense variant has a deleterious effect on protein structure/function; Has not been previously published as pathogenic or benign to our knowledge

NM_005883.3(APC2):c.2834G>A (p.Cys945Tyr)

Gene: APC2 (APC regulator of WNT signaling pathway 2; plus strand). Cytogenetic location: 19p13.3.
Variant type: single nucleotide variant.
Coding change: c.2834G>A on transcript NM_005883.3 (MANE Select); coding-DNA position 2834, G replaced by A.
Protein change: p.Cys945Tyr; replaces cysteine 945 with tyrosine.
Molecular consequence: missense variant.
Genome position (GRCh38, 1-based): chr19:1,466,135, G>A. VCF-style: chr19-1466135-G-A. GRCh37 (hg19) VCF-style: chr19-1466134-G-A.
Other names: c.2831G>A, p.Cys944Tyr (NM_001351273.1); short protein forms C944Y, C945Y.
Identifiers: ClinVar variation 1309500 (VCV001309500.2), dbSNP rs767402504, ClinGen allele CA9045545.